The following is an entry in ClinVar:

NM_006767.4(LZTR1):c.1449+3G>A

Gene: LZTR1 (leucine zipper like post translational regulator 1; plus strand). Cytogenetic location: 22q11.21.
Variant type: single nucleotide variant.
Coding change: c.1449+3G>A on transcript NM_006767.4 (MANE Select); 3 bases into the intron after coding-DNA position 1449, G replaced by A.
Molecular consequence: intron variant.
Genome position (GRCh38, 1-based): chr22:20,994,022, G>A. VCF-style: chr22-20994022-G-A. GRCh37 (hg19) VCF-style: chr22-21348311-G-A.
Identifiers: ClinVar variation 1376522 (VCV001376522.11), dbSNP rs369605093, ClinGen allele CA10118890.
Genomic context (GRCh38, chr22:20,994,022, plus strand): 5'-AGCGCGGAGCCGCTGGCTTCGCAGGAAGATCACGCAGGCGCGGGAGAGGCTGGCCCAGGT[G>A]AGGTGCCTAACCGCCCTGCCCTGACCTGGCAGCCATGCCTGGTGTCCACTGGGGTGTCCT-3'

ClinVar aggregate classification (germline): Uncertain significance. Review status: criteria provided, multiple submitters, no conflicts (2 of 4 stars). 5 submissions from 5 submitters: Uncertain significance (5). Last evaluated 2026-01-19.

Conditions:
Hereditary cancer-predisposing syndrome. Also called: Neoplastic Syndromes, Hereditary; Hereditary Cancer Syndrome; Tumor predisposition; Hereditary neoplastic syndrome. Identifiers: Orphanet 140162, MedGen C0027672, MeSH D009386, MONDO:0015356.
Cardiovascular phenotype. Identifiers: MedGen CN230736.

Allele frequency attached by ClinVar (database versions not stated): gnomAD exomes 0.00001 and 0.00002; ExAC 0.00004; ESP Exome Variant Server 0.00008; gnomAD 0.00011 and 0.00012; TOPMed 0.00012.

Submissions (5):

Labcorp Genetics (formerly Invitae), Labcorp
Classification: Uncertain significance. Last evaluated: 2026-01-19. Review status: criteria provided, single submitter. Criteria: Invitae Variant Classification Sherloc (09022015). Collection method: clinical testing. Allele origin: germline.
Comment: This sequence change falls in intron 13 of the LZTR1 gene. It does not directly change the encoded amino acid sequence of the LZTR1 protein. It affects a nucleotide within the consensus splice site. This variant is present in population databases (rs369605093, gnomAD 0.04%). This variant has not been reported in the literature in individuals affected with LZTR1-related conditions. ClinVar contains an entry for this variant (Variation ID: 1376522). Variants that disrupt the consensus splice site are a relatively common cause of aberrant splicing (PMID: 17576681, 9536098). Algorithms developed to predict the effect of sequence changes on RNA splicing suggest that this variant is not likely to affect RNA splicing. In summary, the available evidence is currently insufficient to determine the role of this variant in disease. Therefore, it has been classified as a Variant of Uncertain Significance.

Greenwood Genetic Center Diagnostic Laboratories, Greenwood Genetic Center
Classification: Uncertain significance. Last evaluated: 2025-05-20. Review status: criteria provided, single submitter. Criteria: ACMG Guidelines, 2015. Collection method: clinical testing. Allele origin: germline. Affected: yes.
Comment: BP4

Revvity Omics, Revvity
Classification: Uncertain significance. Last evaluated: 2024-01-09. Review status: criteria provided, single submitter. Criteria: ACMG Guidelines, 2015. Collection method: clinical testing. Allele origin: germline.

Ambry Genetics
Classification: Uncertain significance for Cardiovascular phenotype; Hereditary cancer-predisposing syndrome. Last evaluated: 2023-12-18. Review status: criteria provided, single submitter. Criteria: Ambry Variant Classification Scheme 2023. Collection method: clinical testing. Allele origin: germline.
Comment: The c.1449+3G>A intronic variant results from a G to A substitution 3 nucleotides after coding exon 13 in the LZTR1 gene. This nucleotide position is not well conserved in available vertebrate species. In silico splice site analysis predicts that this alteration will not have any significant effect on splicing. Since supporting evidence is limited at this time, the clinical significance of this alteration remains unclear.

Women's Health and Genetics/Laboratory Corporation of America, LabCorp
Classification: Uncertain significance. Last evaluated: 2022-09-17. Review status: criteria provided, single submitter. Criteria: LabCorp Variant Classification Summary - May 2015. Collection method: clinical testing. Allele origin: germline.

Literature cited by the submitters: PubMed 17576681 (cited by Labcorp Genetics (formerly Invitae), Labcorp); PubMed 9536098 (cited by Labcorp Genetics (formerly Invitae), Labcorp).